The following is an entry in ClinVar:

ClinVar aggregate classification (germline): Conflicting classifications of pathogenicity. Review status: criteria provided, conflicting classifications (1 of 4 stars). 2 submissions from 2 submitters: Uncertain significance (1); Likely benign (1). Last evaluated 2025-09-14.

Conditions:
3-methylglutaconic aciduria type 9. Also called: 3-METHYLGLUTACONIC ACIDURIA, TYPE IX. Identifiers: Orphanet 505216, MedGen C4540171, MONDO:0044724, OMIM 617698.

Allele frequency attached by ClinVar (database versions not stated): gnomAD exomes below 0.00001 and 0.00001; gnomAD 0.00001; TOPMed 0.00002.
gnomAD v4.1: 18 of 1,611,436 alleles (0.0011%); highest among the groups gnomAD compares: East Asian, 0.0067%; no homozygotes.

Submissions (2):

Labcorp Genetics (formerly Invitae), Labcorp
Classification: Likely benign. Last evaluated: 2025-09-14. Review status: criteria provided, single submitter. Criteria: Invitae Variant Classification Sherloc (09022015). Collection method: clinical testing. Allele origin: germline.

Baylor Genetics
Classification: Uncertain significance for 3-methylglutaconic aciduria type 9. Last evaluated: 2018-06-28. Review status: criteria provided, single submitter. Criteria: ACMG Guidelines, 2015. Collection method: clinical testing. Allele origin: unknown. Affected: yes.
Comment: This variant was determined to be of uncertain significance according to ACMG Guidelines, 2015 [PMID:25741868].

NM_001001563.5(TIMM50):c.854-8G>C

Gene: TIMM50 (translocase of inner mitochondrial membrane 50; plus strand). Cytogenetic location: 19q13.2.
Variant type: single nucleotide variant.
Coding change: c.854-8G>C on transcript NM_001001563.5 (MANE Select); 8 bases into the intron before coding-DNA position 854, G replaced by C.
Molecular consequence: intron variant.
Genome position (GRCh38, 1-based): chr19:39,488,531, G>C. VCF-style: chr19-39488531-G-C. GRCh37 (hg19) VCF-style: chr19-39979171-G-C.
Other names: c.515-8G>C (NM_001329559.2).
Identifiers: ClinVar variation 1034334 (VCV001034334.8), dbSNP rs1166132682, ClinGen allele CA633080846.
Genomic context (GRCh38, chr19:39,488,531, plus strand): 5'-CCCCTCATGGGCCCTGCCTCCCTCTGGCCTTTAGAAGCCTGGCTGACCACCCCCTGTTGT[G>C]CCCACAGCCATTGCACTGAATGGTGTGGAGGACGTGCGAACCGTGCTGGAGCACTATGCC-3'